The following is an entry in ClinVar:

NM_014516.4(CNOT3):c.201G>A (p.Ala67=)

Gene: CNOT3 (CCR4-NOT transcription complex subunit 3; plus strand). Cytogenetic location: 19q13.42.
Variant type: single nucleotide variant.
Coding change: c.201G>A on transcript NM_014516.4 (MANE Select); coding-DNA position 201, G replaced by A.
Protein change: p.Ala67=; no amino-acid change (alanine 67 retained).
Molecular consequence: synonymous variant.
Genome position (GRCh38, 1-based): chr19:54,143,692, G>A. VCF-style: chr19-54143692-G-A. GRCh37 (hg19) VCF-style: chr19-54647428-G-A.
Other names: c.201G>A (NM_014516.3).
Identifiers: ClinVar variation 2869833 (VCV002869833.5), dbSNP rs36041696, ClinGen allele CA309338526.

ClinVar aggregate classification (germline): Likely benign. Review status: criteria provided, single submitter (1 of 4 stars). 2 submissions from 2 submitters: Likely benign (1). 1 of the submissions does not count toward it. Last evaluated 2025-06-15.

Conditions:
CNOT3-related disorder. Also called: CNOT3-related condition.

Allele frequency attached by ClinVar (database versions not stated): gnomAD exomes 0.00004; 1000 Genomes Project 30x 0.00016; gnomAD 0.00020; 1000 Genomes Project 0.00020; ESP Exome Variant Server 0.00031; ExAC 0.00012; TOPMed 0.00021.
gnomAD v4.1: 92 of 1,613,958 alleles (0.0057%); highest among the groups gnomAD compares: African/African-American, 0.069%; no homozygotes.

Submissions (2):

Labcorp Genetics (formerly Invitae), Labcorp
Classification: Likely benign. Last evaluated: 2025-06-15. Review status: criteria provided, single submitter. Criteria: Invitae Variant Classification Sherloc (09022015). Collection method: clinical testing. Allele origin: germline.

PreventionGenetics, part of Exact Sciences
Classification: Likely benign for CNOT3-related condition. Last evaluated: 2021-06-15. Review status: no assertion criteria provided. Collection method: clinical testing. Allele origin: germline. Not counted in ClinVar's aggregate classification.
Comment: This variant is classified as likely benign based on ACMG/AMP sequence variant interpretation guidelines (Richards et al. 2015 PMID: 25741868, with internal and published modifications).